The following is an entry in ClinVar:

NM_138393.4(REEP6):c.381G>C (p.Arg127Ser)

Gene: REEP6 (receptor accessory protein 6; plus strand). Cytogenetic location: 19p13.3.
Variant type: single nucleotide variant.
Coding change: c.381G>C on transcript NM_138393.4 (MANE Select); coding-DNA position 381, G replaced by C.
Protein change: p.Arg127Ser; replaces arginine 127 with serine.
Molecular consequence: missense variant.
Genome position (GRCh38, 1-based): chr19:1,496,317, G>C. VCF-style: chr19-1496317-G-C. GRCh37 (hg19) VCF-style: chr19-1496316-G-C.
Other names: c.381G>C, p.Arg127Ser (NM_001329556.3); short protein forms R127S.
Identifiers: ClinVar variation 1476213 (VCV001476213.6), dbSNP rs747157973, ClinGen allele CA403056937.

ClinVar aggregate classification (germline): Uncertain significance (1 of 4 stars; one submission).

Allele frequency attached by ClinVar (database versions not stated): gnomAD exomes below 0.00001.

Submission:

Labcorp Genetics (formerly Invitae), Labcorp
Classification: Uncertain significance. Last evaluated: 2022-11-01. Review status: criteria provided, single submitter. Criteria: Invitae Variant Classification Sherloc (09022015). Collection method: clinical testing. Allele origin: germline.
Comment: This sequence change replaces arginine, which is basic and polar, with serine, which is neutral and polar, at codon 127 of the REEP6 protein (p.Arg127Ser). This variant is not present in population databases (gnomAD no frequency). This variant has not been reported in the literature in individuals affected with REEP6-related conditions. ClinVar contains an entry for this variant (Variation ID: 1476213). Experimental studies and prediction algorithms are not available or were not evaluated, and the functional significance of this variant is currently unknown. Algorithms developed to predict the effect of sequence changes on RNA splicing suggest that this variant may disrupt the consensus splice site. In summary, the available evidence is currently insufficient to determine the role of this variant in disease. Therefore, it has been classified as a Variant of Uncertain Significance.